The following is an entry in ClinVar:

ClinVar aggregate classification (germline): Uncertain significance (1 of 4 stars; one submission).

Conditions:
Early-onset Lafora body disease. Also called: Epilepsy, progressive myoclonic, 10. Identifiers: Orphanet 324290, MedGen C4225258, MONDO:0014717, OMIM 616640.

Allele frequency attached by ClinVar (database versions not stated): ExAC 0.00021.
gnomAD v4.1: 17 of 1,461,594 alleles (0.0012%); highest among the groups gnomAD compares: South Asian, 0.011%; 1 homozygote.

Submission:

Labcorp Genetics (formerly Invitae), Labcorp
Classification: Uncertain significance for Early-onset Lafora body disease. Last evaluated: 2022-10-17. Review status: criteria provided, single submitter. Criteria: Invitae Variant Classification Sherloc (09022015). Collection method: clinical testing. Allele origin: germline.
Comment: In summary, the available evidence is currently insufficient to determine the role of this variant in disease. Therefore, it has been classified as a Variant of Uncertain Significance. Advanced modeling of protein sequence and biophysical properties (such as structural, functional, and spatial information, amino acid conservation, physicochemical variation, residue mobility, and thermodynamic stability) performed at Invitae indicates that this missense variant is not expected to disrupt PRDM8 protein function. This variant has not been reported in the literature in individuals affected with PRDM8-related conditions. This variant is present in population databases (rs760170098, gnomAD 0.01%). This sequence change replaces alanine, which is neutral and non-polar, with glycine, which is neutral and non-polar, at codon 493 of the PRDM8 protein (p.Ala493Gly).

NM_001099403.2(PRDM8):c.1478C>G (p.Ala493Gly)

Genes: PRDM8 (PR/SET domain 8; plus strand), LOC129992745 (ATAC-STARR-seq lymphoblastoid silent region 15522; plus strand). Cytogenetic location: 4q21.21.
Variant type: single nucleotide variant.
Coding change: c.1478C>G on transcript NM_001099403.2 (MANE Select); coding-DNA position 1478, C replaced by G.
Protein change: p.Ala493Gly; replaces alanine 493 with glycine.
Molecular consequence: missense variant.
Genome position (GRCh38, 1-based): chr4:80,202,940, C>G. VCF-style: chr4-80202940-C-G. GRCh37 (hg19) VCF-style: chr4-81124094-C-G.
Other names: c.1478C>G, p.Ala493Gly (NM_020226.4); short protein forms A493G.
Identifiers: ClinVar variation 2103755 (VCV002103755.4), dbSNP rs760170098, ClinGen allele CA2982387.
Genomic context (GRCh38, chr4:80,202,940, plus strand): 5'-GCGGTGGGGGCGGAACGGGCGCCGGGGCCGCAGGCGGCGCGGGCGGGGGCCAGGGCGCCG[C>G]GTCGGACGAGCGCAAAAGCGCCTTCTCGCAGCCAGCACGCTCTTTCTCGCAGCTGTCCCC-3'
Protein context (NP_001092873.1, residues 483-503): AGGAGGGQGA[Ala493Gly]SDERKSAFSQ